The following is an entry in ClinVar:

NM_001199138.2(NLRC4):c.1155C>G (p.Asp385Glu)

Gene: NLRC4 (NLR family CARD domain containing 4; minus strand). Cytogenetic location: 2p22.3.
Variant type: single nucleotide variant.
Coding change: c.1155C>G on transcript NM_001199138.2 (MANE Select); coding-DNA position 1155, C replaced by G.
Protein change: p.Asp385Glu; replaces aspartic acid 385 with glutamic acid.
Molecular consequence: missense variant. On other transcripts: intron variant (1).
Genome position (GRCh38, 1-based): chr2:32,250,709, G>C on the plus strand (C>G on the coding strand, the complement: NLRC4 is on the minus strand). VCF-style: chr2-32250709-G-C. GRCh37 (hg19) VCF-style: chr2-32475778-G-C.
Other names: c.1155C>G, p.Asp385Glu (NM_001199139.2, NM_021209.5); c.262+1710C>G (NM_001302504.1); short protein forms D385E.
Identifiers: ClinVar variation 4793347 (VCV004793347.1).

ClinVar aggregate classification (germline): Uncertain significance (1 of 4 stars; one submission).

Conditions:
Periodic fever-infantile enterocolitis-autoinflammatory syndrome. Also called: Autoinflammation with infantile enterocolitis. Identifiers: Orphanet 436166, MedGen C4015067, MONDO:0014472, OMIM 616050.
Familial cold autoinflammatory syndrome 4 (FCAS4). Identifiers: Orphanet 47045, Orphanet 576349, MedGen C4015276, MONDO:0014498, OMIM 616115.

gnomAD v4.1: 5 of 1,614,198 alleles (0.00031%); highest among the groups gnomAD compares: Admixed American, 0.0017%; no homozygotes.

Submission:

Labcorp Genetics (formerly Invitae), Labcorp
Classification: Uncertain significance for Periodic fever-infantile enterocolitis-autoinflammatory syndrome; Familial cold autoinflammatory syndrome 4. Last evaluated: 2025-10-21. Review status: criteria provided, single submitter. Criteria: Invitae Variant Classification Sherloc (09022015). Collection method: clinical testing. Allele origin: germline.
Comment: This sequence change replaces aspartic acid, which is acidic and polar, with glutamic acid, which is acidic and polar, at codon 385 of the NLRC4 protein (p.Asp385Glu). This variant is present in population databases (no rsID available, gnomAD 0.003%). This variant has not been reported in the literature in individuals affected with NLRC4-related conditions. Invitae Evidence Modeling of protein sequence and biophysical properties (such as structural, functional, and spatial information, amino acid conservation, physicochemical variation, residue mobility, and thermodynamic stability) indicates that this missense variant is not expected to disrupt NLRC4 protein function with a negative predictive value of 80%. In summary, the available evidence is currently insufficient to determine the role of this variant in disease. Therefore, it has been classified as a Variant of Uncertain Significance.